The following is an entry in ClinVar:

ClinVar aggregate classification (germline): Likely benign (1 of 4 stars; one submission).

gnomAD v4.1: 61 of 1,612,298 alleles (0.0038%); highest among the groups gnomAD compares: Admixed American, 0.017%; no homozygotes.

Submission:

CeGaT Center for Human Genetics Tuebingen
Classification: Likely benign. Last evaluated: 2026-07-01. Review status: criteria provided, single submitter. Criteria: CeGaT Center For Human Genetics Tuebingen Variant Classification Criteria Version 2. Collection method: clinical testing. Allele origin: germline. Affected: yes. Observed: 1 variant allele.
Comment: JAKMIP3: BP4, BP7

NM_001323087.2(JAKMIP3):c.1623C>T (p.Ala541=)

Gene: JAKMIP3 (Janus kinase and microtubule interacting protein 3; plus strand). Cytogenetic location: 10q26.3.
Variant type: single nucleotide variant.
Coding change: c.1623C>T on transcript NM_001323087.2 (MANE Select); coding-DNA position 1623, C replaced by T.
Protein change: p.Ala541=; no amino-acid change (alanine 541 retained).
Molecular consequence: synonymous variant.
Genome position (GRCh38, 1-based): chr10:132,145,127, C>T. VCF-style: chr10-132145127-C-T. GRCh37 (hg19) VCF-style: chr10-133958631-C-T.
Other names: c.1623C>T, p.Ala541= (NM_001105521.4, NM_001323086.2, NM_001323090.2 and 8 more transcripts); c.1617C>T, p.Ala539= (NM_001323088.2, NM_001392039.1, NM_001392048.1 and 2 more transcripts); c.1401C>T, p.Ala467= (NM_001323089.2, NM_001392053.1, NM_001392059.1 and 2 more transcripts); c.1611C>T, p.Ala537= (NM_001392050.1); c.1614C>T, p.Ala538= (NM_001392051.1); c.1407C>T, p.Ala469= (NM_001392054.1, NM_001392055.1, NM_001392056.1 and 3 more transcripts); c.1398C>T, p.Ala466= (NM_001392058.1); c.1374C>T, p.Ala458= (NM_001392061.1, NM_001392062.1); and 2 more.
Identifiers: ClinVar variation 5039440 (VCV005039440.1).
Genomic context (GRCh38, chr10:132,145,127, plus strand): 5'-TTTAGAGAAAATTTGATGTATCTTTCCTCCCGTCCTACAGACCCGTGAGCAGCTACAAGC[C>T]GAAGTGCAGAGGGCACAGGCGCGGATAGAGGACCTGGAGAAGGCCCTGGCGGAGCAGGGG-3'
Protein context (NP_001310016.1, residues 531-551): REVKTREQLQ[Ala541=]EVQRAQARIE